The following is an entry in ClinVar:

ClinVar aggregate classification (germline): Uncertain significance (1 of 4 stars; one submission).

Conditions:
Long QT syndrome (LQTS). Identifiers: MedGen C0023976, MeSH D008133, MONDO:0002442. Disease mechanism: loss of function. Inheritance: Various modes of inheritance.

Submission:

Labcorp Genetics (formerly Invitae), Labcorp
Classification: Uncertain significance for Long QT syndrome. Last evaluated: 2023-11-08. Review status: criteria provided, single submitter. Criteria: Invitae Variant Classification Sherloc (09022015). Collection method: clinical testing. Allele origin: germline.
Comment: This sequence change creates a premature translational stop signal (p.Gln3132Hisfs*25) in the AKAP9 gene. It is expected to result in an absent or disrupted protein product. However, the current clinical and genetic evidence is not sufficient to establish whether loss-of-function variants in AKAP9 cause disease. This variant is not present in population databases (gnomAD no frequency). This variant has not been reported in the literature in individuals affected with AKAP9-related conditions. In summary, the available evidence is currently insufficient to determine the role of this variant in disease. Therefore, it has been classified as a Variant of Uncertain Significance.

NM_005751.5(AKAP9):c.9396_9397del (p.Gln3132fs)

Gene: AKAP9 (A-kinase anchoring protein 9; plus strand). Cytogenetic location: 7q21.2.
Variant type: Deletion.
Coding change: c.9396_9397del on transcript NM_005751.5 (MANE Select); coding-DNA positions 9396 to 9397, 2 bases deleted (AA; older notation c.9396_9397delAA).
Protein change: p.Gln3132fs; shifts the reading frame from glutamine 3132.
Molecular consequence: frameshift variant.
Genome position (GRCh38, 1-based): chr7:92,093,134-92,093,135, AA deleted; deleting any 2 consecutive bases within chr7:92,093,133-92,093,135 gives the same sequence; the c. name uses the placement nearest the transcript's 3' end. VCF-style (leftmost placement, unchanged base first): chr7-92093132-CAA-C. GRCh37 (hg19) VCF-style: chr7-91722446-CAA-C.
Other names: c.4041_4042del, p.Gln1347fs (NM_001379277.1); c.9372_9373del, p.Gln3124fs (NM_147185.3); short protein forms Q3132fs, Q1347fs, Q3124fs.
Identifiers: ClinVar variation 2694448 (VCV002694448.3), dbSNP rs2535288419, ClinGen allele CA2697557392.